The following is an entry in ClinVar:

ClinVar aggregate classification (germline): Likely benign. Review status: criteria provided, single submitter (1 of 4 stars). 2 submissions from 2 submitters: Likely benign (1). 1 of the submissions does not count toward it. Last evaluated 2023-07-10.

Conditions:
Congenital adrenal hyperplasia due to cytochrome P450 oxidoreductase deficiency. Also called: DISORDERED STEROIDOGENESIS DUE TO POR DEFICIENCY. Identifiers: Orphanet 95699, MedGen C1860042, MONDO:0013310, OMIM 613571.
POR-related disorder. Also called: POR-related condition.

Allele frequency attached by ClinVar (database versions not stated): gnomAD exomes below 0.00001; TOPMed below 0.00001; gnomAD 0.00001.
gnomAD v4.1: 3 of 1,612,462 alleles (0.00019%); highest among the groups gnomAD compares: African/African-American, 0.0027%; no homozygotes.

Submissions (2):

Labcorp Genetics (formerly Invitae), Labcorp
Classification: Likely benign for Congenital adrenal hyperplasia due to cytochrome P450 oxidoreductase deficiency. Last evaluated: 2023-07-10. Review status: criteria provided, single submitter. Criteria: Invitae Variant Classification Sherloc (09022015). Collection method: clinical testing. Allele origin: germline.

PreventionGenetics, part of Exact Sciences
Classification: Likely benign for POR-related condition. Last evaluated: 2023-01-17. Review status: no assertion criteria provided. Collection method: clinical testing. Allele origin: germline. Not counted in ClinVar's aggregate classification.
Comment: This variant is classified as likely benign based on ACMG/AMP sequence variant interpretation guidelines (Richards et al. 2015 PMID: 25741868, with internal and published modifications).

NM_001395413.1(POR):c.357+8G>A

Gene: POR (cytochrome p450 oxidoreductase; plus strand). Cytogenetic location: 7q11.23.
Variant type: single nucleotide variant.
Coding change: c.357+8G>A on transcript NM_001395413.1 (MANE Select); 8 bases into the intron after coding-DNA position 357, G replaced by A.
Molecular consequence: intron variant.
Genome position (GRCh38, 1-based): chr7:75,979,587, G>A. VCF-style: chr7-75979587-G-A. GRCh37 (hg19) VCF-style: chr7-75608905-G-A.
Other names: c.366+8G>A (NM_000941.2); c.357+8G>A (NM_001382662.3, NM_001382659.3, NM_001367562.3 and 2 more transcripts); c.411+8G>A (NM_001382655.3).
Identifiers: ClinVar variation 2812007 (VCV002812007.5), dbSNP rs1788890965, ClinGen allele CA1103267424.